The following is an entry in ClinVar:

NM_000342.4(SLC4A1):c.2726T>C (p.Met909Thr)

Gene: SLC4A1 (solute carrier family 4 member 1 (Diego blood group); minus strand). Cytogenetic location: 17q21.31.
Variant type: single nucleotide variant.
Coding change: c.2726T>C on transcript NM_000342.4 (MANE Select); coding-DNA position 2726, T replaced by C.
Protein change: p.Met909Thr; replaces methionine 909 with threonine.
Molecular consequence: missense variant.
Genome position (GRCh38, 1-based): chr17:44,250,468, A>G on the plus strand (T>C on the coding strand, the complement: SLC4A1 is on the minus strand). VCF-style: chr17-44250468-A-G. GRCh37 (hg19) VCF-style: chr17-42327836-A-G.
Other names: short protein forms M909T.
Identifiers: ClinVar variation 971626 (VCV000971626.13), dbSNP rs2047328405, ClinGen allele CA399778854.

ClinVar aggregate classification (germline): Pathogenic/Likely pathogenic. Review status: criteria provided, multiple submitters, no conflicts (2 of 4 stars). 3 submissions from 3 submitters: Pathogenic (1); Likely pathogenic (2). Last evaluated 2025-05-01.

Conditions:
Southeast Asian ovalocytosis. Also called: Stomatocytic elliptocytosis, hereditary; Ovalocytosis, Malaysian-Melanesian-Filipino type; HE, STOMATOCYTIC; Elliptocytosis 4. Identifiers: Orphanet 98868, MedGen C1862322, MONDO:0008165, OMIM 166900.
Cryohydrocytosis. Also called: CRYOHYDROCYTOSIS DUE TO BAND 3 HEMEL; CRYOHYDROCYTOSIS DUE TO BAND 3 HURSTPIERPOINT; CRYOHYDROCYTOSIS DUE TO BAND 3 BLACKBURN; STOMATOCYTOSIS, COLD-SENSITIVE; Hereditary cryohydrocytosis with normal stomatin. Identifiers: Orphanet 398088, MedGen C1861453, MONDO:0008494, OMIM 185020.
Autosomal dominant distal renal tubular acidosis (DRTA1). Also called: RENAL TUBULAR ACIDOSIS, DISTAL, 1; RTA, CLASSIC TYPE; RTA, DISTAL TYPE, AUTOSOMAL DOMINANT; RTA, GRADIENT TYPE; Renal Tubular Acidosis, Type I. Identifiers: Orphanet 93608, MedGen CN280572, MONDO:0008368, OMIM 179800.
Renal tubular acidosis, distal, 4, with hemolytic anemia. Also called: Renal Tubular Acidosis, Distal, with Hemolytic Anemia. Identifiers: Orphanet 93610, MedGen C5436235, MONDO:0012700, OMIM 611590.
Hereditary spherocytosis type 4. Also called: SLC4A1-Related Spherocytosis. Identifiers: Orphanet 822, MedGen C2675212, MONDO:0012981, OMIM 612653.
Malaria, susceptibility to. Identifiers: Orphanet 673, MedGen C1970028, MONDO:0021024, OMIM 611162.
BLOOD GROUP--FROESE (FR). Also called: FROESE BLOOD GROUP ANTIGEN. Identifiers: MedGen C1832168, OMIM 601551.
BLOOD GROUP--WRIGHT ANTIGEN (WR). Identifiers: MedGen C1862190, OMIM 112050.
BLOOD GROUP--SWANN SYSTEM (SW). Also called: SWANN BLOOD GROUP. Identifiers: MedGen C1832169, OMIM 601550.
BLOOD GROUP--DIEGO SYSTEM (DI). Identifiers: MedGen C1292286, OMIM 110500.
BLOOD GROUP, WALDNER (WD). Also called: WALDNER BLOOD GROUP ANTIGEN. Identifiers: MedGen C1862191, OMIM 112010.

Submissions (3):

Rare Kidney Stone Consortium and the Mayo Clinic Hyperoxaluria Center, Mayo Clinic
Classification: Pathogenic for Renal tubular acidosis, distal, 4, with hemolytic anemia; Autosomal dominant distal renal tubular acidosis. Last evaluated: 2025-05-01. Review status: criteria provided, single submitter. Criteria: ACMG Guidelines, 2015. Collection method: research. Allele origin: germline. Affected: yes.
Comment: ACMG: PS1, PS3, PM2, PP4

Fulgent Genetics
Classification: Likely pathogenic for BLOOD GROUP--DIEGO SYSTEM; BLOOD GROUP, WALDNER; BLOOD GROUP--WRIGHT ANTIGEN; Southeast Asian ovalocytosis; Autosomal dominant distal renal tubular acidosis; Cryohydrocytosis; BLOOD GROUP--SWANN SYSTEM; BLOOD GROUP--FROESE; Malaria, susceptibility to; Renal tubular acidosis, distal, 4, with hemolytic anemia; Hereditary spherocytosis type 4. Last evaluated: 2024-06-11. Review status: criteria provided, single submitter. Criteria: ACMG Guidelines, 2015. Collection method: clinical testing. Allele origin: germline.

Labcorp Genetics (formerly Invitae), Labcorp
Classification: Likely pathogenic. Last evaluated: 2019-11-16. Review status: criteria provided, single submitter. Criteria: Invitae Variant Classification Sherloc (09022015). Collection method: clinical testing. Allele origin: germline.
Comment: In summary, the currently available evidence indicates that the variant is pathogenic, but additional data are needed to prove that conclusively. Therefore, this variant has been classified as Likely Pathogenic. This variant has been reported to affect SLC4A1 protein function (PMID: 28045035, 22518001). This variant has been observed in individual(s) with autosomal dominant renal tubular acidosis or nephrocalcinosis (PMID: 22518001, Invitae). It has also been observed to segregate with disease in related individuals. This variant is not present in population databases (ExAC no frequency). This sequence change replaces methionine with threonine at codon 909 of the SLC4A1 protein (p.Met909Thr). The methionine residue is moderately conserved and there is a moderate physicochemical difference between methionine and threonine.

Literature cited by the submitters: PubMed 34805638 (cited by Rare Kidney Stone Consortium and the Mayo Clinic Hyperoxaluria Center, Mayo Clinic); PubMed 22518001 (cited by Rare Kidney Stone Consortium and the Mayo Clinic Hyperoxaluria Center, Mayo Clinic and Labcorp Genetics (formerly Invitae), Labcorp); PubMed 28045035 (cited by Labcorp Genetics (formerly Invitae), Labcorp).